The following is an entry in ClinVar:

ClinVar aggregate classification (germline): Uncertain significance (1 of 4 stars; one submission).

Allele frequency attached by ClinVar (database versions not stated): gnomAD exomes below 0.00001; TOPMed below 0.00001.
gnomAD v4.1: 1 of 1,613,996 alleles (0.000062%); highest among the groups gnomAD compares: Non-Finnish European, 0.000085%; no homozygotes.

Submission:

Labcorp Genetics (formerly Invitae), Labcorp
Classification: Uncertain significance. Last evaluated: 2024-02-23. Review status: criteria provided, single submitter. Criteria: Invitae Variant Classification Sherloc (09022015). Collection method: clinical testing. Allele origin: germline.
Comment: This sequence change replaces tyrosine, which is neutral and polar, with cysteine, which is neutral and slightly polar, at codon 392 of the DSG1 protein (p.Tyr392Cys). This variant is not present in population databases (gnomAD no frequency). This variant has not been reported in the literature in individuals affected with DSG1-related conditions. ClinVar contains an entry for this variant (Variation ID: 2005796). Advanced modeling of protein sequence and biophysical properties (such as structural, functional, and spatial information, amino acid conservation, physicochemical variation, residue mobility, and thermodynamic stability) performed at Invitae indicates that this missense variant is not expected to disrupt DSG1 protein function with a negative predictive value of 80%. In summary, the available evidence is currently insufficient to determine the role of this variant in disease. Therefore, it has been classified as a Variant of Uncertain Significance.

NM_001942.4(DSG1):c.1175A>G (p.Tyr392Cys)

Gene: DSG1 (desmoglein 1; plus strand). Cytogenetic location: 18q12.1.
Variant type: single nucleotide variant.
Coding change: c.1175A>G on transcript NM_001942.4 (MANE Select); coding-DNA position 1175, A replaced by G.
Protein change: p.Tyr392Cys; replaces tyrosine 392 with cysteine.
Molecular consequence: missense variant.
Genome position (GRCh38, 1-based): chr18:31,336,523, A>G. VCF-style: chr18-31336523-A-G. GRCh37 (hg19) VCF-style: chr18-28916486-A-G.
Other names: short protein forms Y392C.
Identifiers: ClinVar variation 2005796 (VCV002005796.4), dbSNP rs2071754563, ClinGen allele CA402133988.